The following is an entry in ClinVar:

NM_177438.3(DICER1):c.5252A>C (p.Lys1751Thr)

Gene: DICER1 (dicer 1, ribonuclease III; minus strand). Cytogenetic location: 14q32.13.
Variant type: single nucleotide variant.
Coding change: c.5252A>C on transcript NM_177438.3 (MANE Select); coding-DNA position 5252, A replaced by C.
Protein change: p.Lys1751Thr; replaces lysine 1751 with threonine.
Molecular consequence: missense variant.
Genome position (GRCh38, 1-based): chr14:95,094,000, T>G on the plus strand (A>C on the coding strand, the complement: DICER1 is on the minus strand). VCF-style: chr14-95094000-T-G. GRCh37 (hg19) VCF-style: chr14-95560337-T-G.
Other names: c.5252A>C (NM_177438.2); c.5252A>C, p.Lys1751Thr (NM_001195573.1, NM_001271282.3, NM_001291628.2 and 1 more transcripts); short protein forms K1751T.
Identifiers: ClinVar variation 1442107 (VCV001442107.10), dbSNP rs2139812498, ClinGen allele CA390865120.

ClinVar aggregate classification (germline): Uncertain significance. Review status: criteria provided, multiple submitters, no conflicts (2 of 4 stars). 2 submissions from 2 submitters: Uncertain significance (2). Last evaluated 2025-09-05.

Conditions:
Hereditary cancer-predisposing syndrome. Also called: Neoplastic Syndromes, Hereditary; Hereditary Cancer Syndrome; Tumor predisposition; Hereditary neoplastic syndrome. Identifiers: Orphanet 140162, MedGen C0027672, MeSH D009386, MONDO:0015356.
DICER1-related tumor predisposition. Also called: DICER1-related pleuropulmonary blastoma cancer predisposition syndrome; DICER1 syndrome. Identifiers: Orphanet 284343, MedGen C3839822, MONDO:0100216.

Submissions (2):

Ambry Genetics
Classification: Uncertain significance for Hereditary cancer-predisposing syndrome. Last evaluated: 2025-09-05. Review status: criteria provided, single submitter. Criteria: Ambry Variant Classification Scheme 2023. Collection method: clinical testing. Allele origin: germline.

Labcorp Genetics (formerly Invitae), Labcorp
Classification: Uncertain significance for DICER1-related tumor predisposition. Last evaluated: 2021-03-25. Review status: criteria provided, single submitter. Criteria: Invitae Variant Classification Sherloc (09022015). Collection method: clinical testing. Allele origin: germline.
Comment: In summary, the available evidence is currently insufficient to determine the role of this variant in disease. Therefore, it has been classified as a Variant of Uncertain Significance. Algorithms developed to predict the effect of missense changes on protein structure and function (SIFT, PolyPhen-2, Align-GVGD) all suggest that this variant is likely to be disruptive, but these predictions have not been confirmed by published functional studies and their clinical significance is uncertain. This variant has not been reported in the literature in individuals with DICER1-related conditions. This variant is not present in population databases (ExAC no frequency). This sequence change replaces lysine with threonine at codon 1751 of the DICER1 protein (p.Lys1751Thr). The lysine residue is highly conserved and there is a moderate physicochemical difference between lysine and threonine.